The following is an entry in ClinVar:

NM_020937.4(FANCM):c.1043A>G (p.Asn348Ser)

Gene: FANCM (FA complementation group M; plus strand). Cytogenetic location: 14q21.2.
Variant type: single nucleotide variant.
Coding change: c.1043A>G on transcript NM_020937.4 (MANE Select); coding-DNA position 1043, A replaced by G.
Protein change: p.Asn348Ser; replaces asparagine 348 with serine.
Molecular consequence: missense variant.
Genome position (GRCh38, 1-based): chr14:45,151,521, A>G. VCF-style: chr14-45151521-A-G. GRCh37 (hg19) VCF-style: chr14-45620724-A-G.
Other names: c.965A>G, p.Asn322Ser (NM_001308133.2); c.1043A>G, p.Asn348Ser (NM_001308134.2); c.1043A>G (NM_020937.2); short protein forms N322S, N348S.
Identifiers: ClinVar variation 1005643 (VCV001005643.13), dbSNP rs369752557, ClinGen allele CA7168912.

ClinVar aggregate classification (germline): Uncertain significance. Review status: criteria provided, multiple submitters, no conflicts (2 of 4 stars). 4 submissions from 4 submitters: Uncertain significance (4). Last evaluated 2025-08-20.

Conditions:
Inborn genetic diseases. Identifiers: MedGen C0950123, MeSH D030342.
Spermatogenic failure 28. Identifiers: MedGen C4748117, MONDO:0054732, OMIM 618086.
Premature ovarian failure 15. Identifiers: MedGen C4748170, MONDO:0054862, OMIM 618096.
Fanconi anemia (FA). Also called: Fanconi's anemia. Identifiers: Orphanet 84, MedGen C0015625, MeSH D005199, MONDO:0019391.

Allele frequency attached by ClinVar (database versions not stated): gnomAD exomes below 0.00001 and 0.00002; gnomAD 0.00001 and 0.00002; ExAC 0.00002; TOPMed 0.00004; ESP Exome Variant Server 0.00008.

Submissions (4):

Labcorp Genetics (formerly Invitae), Labcorp
Classification: Uncertain significance for Fanconi anemia. Last evaluated: 2025-08-20. Review status: criteria provided, single submitter. Criteria: Invitae Variant Classification Sherloc (09022015). Collection method: clinical testing. Allele origin: germline.
Comment: This sequence change replaces asparagine, which is neutral and polar, with serine, which is neutral and polar, at codon 348 of the FANCM protein (p.Asn348Ser). The frequency data for this variant in the population databases is considered unreliable, as metrics indicate poor data quality at this position in the gnomAD database. This variant has not been reported in the literature in individuals affected with FANCM-related conditions. ClinVar contains an entry for this variant (Variation ID: 1005643). An algorithm developed to predict the effect of missense changes on protein structure and function (PolyPhen-2) suggests that this variant is likely to be tolerated. In summary, the available evidence is currently insufficient to determine the role of this variant in disease. Therefore, it has been classified as a Variant of Uncertain Significance.

Ambry Genetics
Classification: Uncertain significance for Inborn genetic diseases. Last evaluated: 2024-12-09. Review status: criteria provided, single submitter. Criteria: Ambry Variant Classification Scheme 2023. Collection method: clinical testing. Allele origin: germline.
Comment: The p.N348S variant (also known as c.1043A>G), located in coding exon 5 of the FANCM gene, results from an A to G substitution at nucleotide position 1043. The asparagine at codon 348 is replaced by serine, an amino acid with highly similar properties. This amino acid position is conserved. In addition, this alteration is predicted to be tolerated by in silico analysis. Based on the available evidence, the clinical significance of this variant remains unclear.

GeneDx
Classification: Uncertain significance. Last evaluated: 2023-05-21. Review status: criteria provided, single submitter. Criteria: GeneDx Variant Classification Process June 2021. Collection method: clinical testing. Allele origin: germline. Affected: yes.
Comment: In silico analysis supports that this missense variant has a deleterious effect on protein structure/function; Has not been previously published as pathogenic or benign to our knowledge

Fulgent Genetics
Classification: Uncertain significance for Spermatogenic failure 28; Premature ovarian failure 15. Last evaluated: 2022-04-26. Review status: criteria provided, single submitter. Criteria: ACMG Guidelines, 2015. Collection method: clinical testing. Allele origin: unknown.